The following is an entry in ClinVar:

NC_000023.10:g.(?_32632400)_(32717430_?)dup

Gene: DMD (dystrophin; minus strand). Cytogenetic location: Xp21.1.
Variant type: Duplication.
Identifiers: ClinVar variation 1459743 (VCV001459743.5).

ClinVar aggregate classification (germline): Pathogenic (1 of 4 stars; one submission).

Conditions:
Duchenne muscular dystrophy (DMD). Also called: Duchenne Muscular Dystrophy (DMD); MUSCULAR DYSTROPHY, PSEUDOHYPERTROPHIC PROGRESSIVE, DUCHENNE TYPE. Identifiers: Orphanet 98896, MedGen C0013264, MONDO:0010679, OMIM 310200.

Submission:

Labcorp Genetics (formerly Invitae), Labcorp
Classification: Pathogenic for Duchenne muscular dystrophy. Last evaluated: 2022-04-22. Review status: criteria provided, single submitter. Criteria: Invitae Variant Classification Sherloc (09022015). Collection method: clinical testing. Allele origin: germline.
Comment: This variant results in a copy number gain of the genomic region encompassing exon(s) 8-12 of the DMD gene. While the exact position of this variant cannot be determined from the data, sub-genic copy number gains are generally in tandem (PMID: 25640679). This variant is predicted to be out-of-frame, and may result in an absent or disrupted protein product. Loss-of-function variants in DMD are known to be pathogenic (PMID: 16770791, 25007885). A similar copy number variant has been observed in individuals with DMD-related conditions (PMID: 15351422, 31705731). For these reasons, this variant has been classified as Pathogenic.

Literature cited by the submitters: PubMed 25640679; PubMed 16770791; PubMed 25007885; PubMed 15351422; PubMed 31705731.